The following is an entry in ClinVar:

ClinVar aggregate classification (germline): Uncertain significance (1 of 4 stars; one submission).

Conditions:
KCNJ5-related disorder. Also called: KCNJ5-related condition.

Submission:

PreventionGenetics, part of Exact Sciences
Classification: Uncertain significance for KCNJ5-related condition. Last evaluated: 2025-03-17. Review status: criteria provided, single submitter. Criteria: ACMG Guidelines, 2015. Collection method: clinical testing. Allele origin: germline.
Comment: The KCNJ5 c.608C>G variant is predicted to result in the amino acid substitution p.Ser203Cys. To our knowledge, this variant has not been reported in the literature or in a large population database (gnomAD), indicating this variant is rare. At this time, the clinical significance of this variant is uncertain due to the absence of conclusive functional and genetic evidence.

NM_000890.5(KCNJ5):c.608C>G (p.Ser203Cys)

Gene: KCNJ5 (potassium inwardly rectifying channel subfamily J member 5; plus strand). Cytogenetic location: 11q24.3.
Variant type: single nucleotide variant.
Coding change: c.608C>G on transcript NM_000890.5 (MANE Select); coding-DNA position 608, C replaced by G.
Protein change: p.Ser203Cys; replaces serine 203 with cysteine.
Molecular consequence: missense variant.
Genome position (GRCh38, 1-based): chr11:128,911,881, C>G. VCF-style: chr11-128911881-C-G. GRCh37 (hg19) VCF-style: chr11-128781776-C-G.
Other names: c.608C>G, p.Ser203Cys (NM_001354169.2); short protein forms S203C.
Identifiers: ClinVar variation 4999785 (VCV004999785.1).